The following is an entry in ClinVar:

NM_001377540.1(SLMAP):c.2190G>A (p.Met730Ile)

Gene: SLMAP (sarcolemma associated protein; plus strand). Cytogenetic location: 3p14.3.
Variant type: single nucleotide variant.
Coding change: c.2190G>A on transcript NM_001377540.1 (MANE Select); coding-DNA position 2190, G replaced by A.
Protein change: p.Met730Ile; replaces methionine 730 with isoleucine.
Molecular consequence: missense variant. On other transcripts: non-coding transcript variant (1).
Genome position (GRCh38, 1-based): chr3:57,916,957, G>A. VCF-style: chr3-57916957-G-A. GRCh37 (hg19) VCF-style: chr3-57902684-G-A.
Other names: c.2139G>A, p.Met713Ile (NM_001304420.3, NM_001377542.1, NM_001377541.1); c.2127G>A, p.Met709Ile (NM_001377545.1); c.2088G>A, p.Met696Ile (NM_001377549.1, NM_007159.5); c.2076G>A, p.Met692Ile (NM_001377551.1, NM_001377552.1); c.2067G>A, p.Met689Ile (NM_001377555.1); c.2025G>A, p.Met675Ile (NM_001377557.1, NM_001377559.1, NM_001304421.2); c.2016G>A, p.Met672Ile (NM_001377562.1, NM_001377921.1); c.2088G>A (NM_007159.2); and 9 more; short protein forms M675I, M696I, M634I, M689I, M713I, M206I, M247I, M651I.
Identifiers: ClinVar variation 2049878 (VCV002049878.5), dbSNP rs906541844, ClinGen allele CA75413454.

ClinVar aggregate classification (germline): Uncertain significance. Review status: criteria provided, multiple submitters, no conflicts (2 of 4 stars). 2 submissions from 2 submitters: Uncertain significance (2). Last evaluated 2024-10-08.

Conditions:
Brugada syndrome. Also called: Sudden unexpected nocturnal death syndrome; Sudden unexplained nocturnal death syndrome; Sudden Unexplained Death Syndrome; Sudden Unexplained Nocturnal Death Syndrome (SUNDS). Identifiers: Orphanet 130, MedGen C1142166, MONDO:0015263.

Allele frequency attached by ClinVar (database versions not stated): gnomAD 0.00001; gnomAD exomes below 0.00001; TOPMed 0.00001.
gnomAD v4.1: 2 of 1,613,772 alleles (0.00012%); highest among the groups gnomAD compares: Non-Finnish European, 0.00017%; no homozygotes.

Submissions (2):

Ambry Genetics
Classification: Uncertain significance. Last evaluated: 2024-10-08. Review status: criteria provided, single submitter. Criteria: Ambry Variant Classification Scheme 2023. Collection method: clinical testing. Allele origin: germline.
Comment: The p.M696I variant (also known as c.2088G>A), located in coding exon 19 of the SLMAP gene, results from a G to A substitution at nucleotide position 2088. The methionine at codon 696 is replaced by isoleucine, an amino acid with highly similar properties. This amino acid position is conserved. In addition, this alteration is predicted to be tolerated by in silico analysis. Based on the available evidence, the clinical significance of this variant remains unclear.

Labcorp Genetics (formerly Invitae), Labcorp
Classification: Uncertain significance for Brugada syndrome. Last evaluated: 2022-05-14. Review status: criteria provided, single submitter. Criteria: Invitae Variant Classification Sherloc (09022015). Collection method: clinical testing. Allele origin: germline.
Comment: In summary, the available evidence is currently insufficient to determine the role of this variant in disease. Therefore, it has been classified as a Variant of Uncertain Significance. Algorithms developed to predict the effect of missense changes on protein structure and function output the following: SIFT: "Tolerated"; PolyPhen-2: "Benign"; Align-GVGD: "Class C0". The isoleucine amino acid residue is found in multiple mammalian species, which suggests that this missense change does not adversely affect protein function. This variant has not been reported in the literature in individuals affected with SLMAP-related conditions. This variant is present in population databases (no rsID available, gnomAD 0.007%). This sequence change replaces methionine, which is neutral and non-polar, with isoleucine, which is neutral and non-polar, at codon 696 of the SLMAP protein (p.Met696Ile).